The following is an entry in ClinVar:

ClinVar aggregate classification (germline): Uncertain significance (1 of 4 stars; one submission).

Conditions:
Renal cell carcinoma. Identifiers: Orphanet 217071, MedGen C0007134, MeSH D002292, MONDO:0005086, HP:0005584.

Submission:

Labcorp Genetics (formerly Invitae), Labcorp
Classification: Uncertain significance for Renal cell carcinoma. Last evaluated: 2021-11-18. Review status: criteria provided, single submitter. Criteria: Invitae Variant Classification Sherloc (09022015). Collection method: clinical testing. Allele origin: germline.
Comment: In summary, the available evidence is currently insufficient to determine the role of this variant in disease. Therefore, it has been classified as a Variant of Uncertain Significance. Algorithms developed to predict the effect of missense changes on protein structure and function are either unavailable or do not agree on the potential impact of this missense change (SIFT: "Deleterious"; PolyPhen-2: "Probably Damaging"; Align-GVGD: "Class C0"). This variant has not been reported in the literature in individuals affected with MET-related conditions. This variant is not present in population databases (gnomAD no frequency). This sequence change replaces aspartic acid, which is acidic and polar, with asparagine, which is neutral and polar, at codon 1072 of the MET protein (p.Asp1072Asn).

NM_000245.4(MET):c.3160G>A (p.Asp1054Asn)

Gene: MET (MET proto-oncogene, receptor tyrosine kinase; plus strand). Cytogenetic location: 7q31.2.
Variant type: single nucleotide variant.
Coding change: c.3160G>A on transcript NM_000245.4 (MANE Select); coding-DNA position 3160, G replaced by A.
Protein change: p.Asp1054Asn; replaces aspartic acid 1054 with asparagine.
Molecular consequence: missense variant.
Genome position (GRCh38, 1-based): chr7:116,775,012, G>A. VCF-style: chr7-116775012-G-A. GRCh37 (hg19) VCF-style: chr7-116415066-G-A.
Other names: c.3214G>A, p.Asp1072Asn (NM_001127500.3); c.1870G>A, p.Asp624Asn (NM_001324402.2); short protein forms D1072N, D624N, D1054N.
Identifiers: ClinVar variation 1431095 (VCV001431095.6), dbSNP rs2117031109, ClinGen allele CA368988402.